The following is an entry in ClinVar:

NM_024334.3(TMEM43):c.645T>A (p.His215Gln)

Gene: TMEM43 (transmembrane protein 43; plus strand). Cytogenetic location: 3p25.1.
Variant type: single nucleotide variant.
Coding change: c.645T>A on transcript NM_024334.3 (MANE Select); coding-DNA position 645, T replaced by A.
Protein change: p.His215Gln; replaces histidine 215 with glutamine.
Molecular consequence: missense variant.
Genome position (GRCh38, 1-based): chr3:14,134,831, T>A. VCF-style: chr3-14134831-T-A. GRCh37 (hg19) VCF-style: chr3-14176331-T-A.
Other names: c.648T>A, p.His216Gln (NM_001407274.1); c.645T>A, p.His215Gln (NM_001407275.1, NM_001407276.1, NM_001407277.1 and 1 more transcripts); c.630T>A, p.His210Gln (NM_001407278.1); c.495T>A, p.His165Gln (NM_001407280.1); short protein forms H165Q, H210Q, H215Q, H216Q.
Identifiers: ClinVar variation 2653577 (VCV002653577.24), dbSNP rs370782259, ClinGen allele CA351535557.

ClinVar aggregate classification (germline): Uncertain significance (1 of 4 stars; one submission).

gnomAD v4.1: 2 of 1,614,168 alleles (0.00012%); highest among the groups gnomAD compares: Non-Finnish European, 0.00017%; no homozygotes.

Submission:

CeGaT Center for Human Genetics Tuebingen
Classification: Uncertain significance. Last evaluated: 2023-08-01. Review status: criteria provided, single submitter. Criteria: CeGaT Center For Human Genetics Tuebingen Variant Classification Criteria Version 2. Collection method: clinical testing. Allele origin: germline. Affected: yes. Observed: 1 variant allele.
Comment: TMEM43: PM2, BP4